The following is an entry in ClinVar:

ClinVar aggregate classification (germline): Likely benign. Review status: criteria provided, multiple submitters, no conflicts (2 of 4 stars). 3 submissions from 3 submitters: Likely benign (3). Last evaluated 2023-06-28.

Conditions:
Familial thoracic aortic aneurysm and aortic dissection (TAAD). Also called: Thoracic aortic aneurysms and dissections. Identifiers: Orphanet 91387, MedGen C4707243, MONDO:0019625.
Ehlers-Danlos syndrome, type 4 (EDSVASC). Also called: Ehlers-Danlos Syndrome Type IV; Ehlers-Danlos syndrome vascular type; Ehlers Danlos syndrome, ecchymotic type; Ehlers Danlos syndrome, arterial type; Ehlers Danlos syndrome, Sack-Barabas type. Identifiers: Orphanet 286, MedGen C0268338, MONDO:0017314, OMIM 130050.

Allele frequency attached by ClinVar (database versions not stated): TOPMed below 0.00001; gnomAD exomes below 0.00001.
gnomAD v4.1: 5 of 1,612,384 alleles (0.00031%); highest among the groups gnomAD compares: Non-Finnish European, 0.00034%; no homozygotes.

Submissions (3):

All of Us Research Program, National Institutes of Health
Classification: Likely benign for Ehlers-Danlos syndrome, type 4. Last evaluated: 2023-06-28. Review status: criteria provided, single submitter. Criteria: ACMG Guidelines, 2015. Collection method: clinical testing. Allele origin: germline. Inheritance: Autosomal dominant inheritance. Observed: 2 variant alleles, 2 heterozygotes.
Comment: This study involves interpretation of variants in research participants for the purpose of population health screening. Participant phenotype was not available at the time of variant classification. Additional details can be found in publication PMID: 35346344, PMCID: PMC8962531

Color Diagnostics, LLC DBA Color Health
Classification: Likely benign for Familial thoracic aortic aneurysm and aortic dissection. Last evaluated: 2023-04-19. Review status: criteria provided, single submitter. Criteria: ACMG Guidelines, 2015. Collection method: clinical testing. Allele origin: germline.

Blueprint Genetics
Classification: Likely benign. Last evaluated: 2020-06-04. Review status: criteria provided, single submitter. Criteria: ACMG Guidelines, 2015. Collection method: clinical testing. Allele origin: germline.

NM_000090.4(COL3A1):c.3516A>G (p.Arg1172=)

Gene: COL3A1 (collagen type III alpha 1 chain; plus strand). Cytogenetic location: 2q32.2.
Variant type: single nucleotide variant.
Coding change: c.3516A>G on transcript NM_000090.4 (MANE Select); coding-DNA position 3516, A replaced by G.
Protein change: p.Arg1172=; no amino-acid change (arginine 1172 retained).
Molecular consequence: synonymous variant.
Genome position (GRCh38, 1-based): chr2:189,008,133, A>G. VCF-style: chr2-189008133-A-G. GRCh37 (hg19) VCF-style: chr2-189872859-A-G.
Identifiers: ClinVar variation 3070541 (VCV003070541.3), dbSNP rs1688638001, ClinGen allele CA430313805.
Genomic context (GRCh38, chr2:189,008,133, plus strand): 5'-AACCAGTGGACATCCAGGTCCCATTGGACCACCAGGGCCTCGAGGTAACAGAGGTGAAAG[A>G]GGATCTGAGGTAAGACATCACTTATACGTATGTGTATTTAATTTGCTACAATCTTCCAAT-3'
Protein context (NP_000081.2, residues 1162-1182): PPGPRGNRGE[Arg1172=]GSEGSPGHPG